The following is an entry in ClinVar:

NM_000088.4(COL1A1):c.3535C>T (p.Pro1179Ser)

Gene: COL1A1 (collagen type I alpha 1 chain; minus strand). Cytogenetic location: 17q21.33.
Variant type: single nucleotide variant.
Coding change: c.3535C>T on transcript NM_000088.4 (MANE Select); coding-DNA position 3535, C replaced by T.
Protein change: p.Pro1179Ser; replaces proline 1179 with serine.
Molecular consequence: missense variant.
Genome position (GRCh38, 1-based): chr17:50,186,919, G>A on the plus strand (C>T on the coding strand, the complement: COL1A1 is on the minus strand). VCF-style: chr17-50186919-G-A. GRCh37 (hg19) VCF-style: chr17-48264280-G-A.
Other names: p.Pro1179Ser; short protein forms P1179S.
Identifiers: ClinVar variation 2148713 (VCV002148713.7), dbSNP rs779767483, ClinGen allele CA8644403.

ClinVar aggregate classification (germline): Conflicting classifications of pathogenicity. Review status: criteria provided, conflicting classifications (1 of 4 stars). 4 submissions from 4 submitters: Uncertain significance (3); Likely benign (1). Last evaluated 2026-03-27.

Conditions:
Osteogenesis imperfecta type I (OI1). Also called: OI, TYPE I; OSTEOGENESIS IMPERFECTA TARDA; OSTEOGENESIS IMPERFECTA WITH BLUE SCLERAE; Osteogenesis imperfecta type 1; Lobstein's Disease; Lobstein disease. Identifiers: Orphanet 216796, Orphanet 666, MedGen C0023931, MONDO:0008146, OMIM 166200. Disease mechanism: loss of function.
Cardiovascular phenotype. Identifiers: MedGen CN230736.
COL1A1-related disorder. Also called: COL1A1- related disease; COL1A1-related condition.

Allele frequency attached by ClinVar (database versions not stated): ExAC 0.00001.
gnomAD v4.1: 19 of 1,613,782 alleles (0.0012%); highest among the groups gnomAD compares: South Asian, 0.0022%; no homozygotes.

Submissions (4):

Molecular Diagnostic Laboratory for Inherited Cardiovascular Disease, Montreal Heart Institute
Classification: Uncertain significance for Cardiovascular phenotype. Last evaluated: 2026-03-27. Review status: criteria provided, single submitter. Criteria: ACMG Guidelines, 2015. Collection method: clinical testing. Allele origin: germline. Affected: yes.
Comment: PP2, BS1

PreventionGenetics, part of Exact Sciences
Classification: Uncertain significance for COL1A1-related condition. Last evaluated: 2026-02-25. Review status: criteria provided, single submitter. Criteria: ACMG Guidelines, 2015. Collection method: clinical testing. Allele origin: germline.
Comment: The COL1A1 c.3535C>T variant is predicted to result in the amino acid substitution p.Pro1179Ser. To our knowledge, this variant has not been reported in the literature. This variant is reported in 0.0033% of alleles in individuals of South Asian descent in gnomAD. At this time, the clinical significance of this variant is uncertain due to the absence of conclusive functional and genetic evidence.

Labcorp Genetics (formerly Invitae), Labcorp
Classification: Likely benign for Osteogenesis imperfecta type I. Last evaluated: 2024-05-02. Review status: criteria provided, single submitter. Criteria: Invitae Variant Classification Sherloc (09022015). Collection method: clinical testing. Allele origin: germline.

Mayo Clinic Laboratories, Mayo Clinic
Classification: Uncertain significance. Last evaluated: 2023-09-22. Review status: criteria provided, single submitter. Criteria: ACMG Guidelines, 2015. Collection method: clinical testing. Allele origin: germline. Observed: 1 variant allele.
Comment: PP2

Literature cited by the submitters: PubMed 35274497 (cited by Mayo Clinic Laboratories, Mayo Clinic).